The following is an entry in ClinVar:

NM_175634.3(RUNX1T1):c.1280-6dup

Gene: RUNX1T1 (RUNX1 partner transcriptional co-repressor 1; minus strand). Cytogenetic location: 8q21.3.
Variant type: Duplication.
Coding change: c.1280-6dup on transcript NM_175634.3 (MANE Select); 6 bases into the intron before coding-DNA position 1280, one base duplicated (T; older notation c.1280-6dupT).
Molecular consequence: intron variant.
Genome position (GRCh38, 1-based): chr8:91,975,979, A duplicated on the plus strand (T on the coding strand, the reverse complement: RUNX1T1 is on the minus strand); the first of 4 consecutive A bases (chr8:91,975,979-91,975,982); duplicating any one gives the same sequence. VCF-style (leftmost placement, unchanged base first): chr8-91975978-G-GA. GRCh37 (hg19) VCF-style: chr8-92988206-G-GA.
Other names: c.1169-6dup (NM_175636.2, NM_175635.3); c.1220-6dup (NM_001198633.2); c.1364-6dup (NM_001395209.1); c.1280-6dup (NM_001198628.2, NM_001198631.2, NM_001198626.2 and 3 more transcripts); c.1457-6dup (NM_001198679.3); c.1313-6dup (NM_001198634.2); c.1199-6dup (NM_001198625.2, NM_001198632.2, NM_004349.4).
Identifiers: ClinVar variation 3035332 (VCV003035332.2), dbSNP rs1458893765, ClinGen allele CA371832928.

ClinVar aggregate classification (germline): Likely benign (0 of 4 stars; one submission).

Conditions:
RUNX1T1-related disorder. Also called: RUNX1T1-related condition.

Submission:

PreventionGenetics, part of Exact Sciences
Classification: Likely benign for RUNX1T1-related condition. Last evaluated: 2019-07-31. Review status: no assertion criteria provided. Collection method: clinical testing. Allele origin: germline.
Comment: This variant is classified as likely benign based on ACMG/AMP sequence variant interpretation guidelines (Richards et al. 2015 PMID: 25741868, with internal and published modifications).